The following is an entry in ClinVar:

NM_001206979.2(NR1H4):c.1A>G (p.Met1Val)

Gene: NR1H4 (nuclear receptor subfamily 1 group H member 4; plus strand). Cytogenetic location: 12q23.1.
Variant type: single nucleotide variant.
Coding change: c.1A>G on transcript NM_001206979.2 (MANE Select); coding-DNA position 1, A replaced by G.
Protein change: p.Met1Val; changes the start codon (methionine 1).
Molecular consequence: missense variant, initiator codon variant. On other transcripts: non-coding transcript variant (1).
Genome position (GRCh38, 1-based): chr12:100,493,324, A>G. VCF-style: chr12-100493324-A-G. GRCh37 (hg19) VCF-style: chr12-100887102-A-G.
Other names: c.1A>G, p.Met1Val (NM_001206977.2, NM_001206978.2, NM_005123.4); c.1A>G (NM_005123.3); short protein forms M1V.
Identifiers: ClinVar variation 595191 (VCV000595191.9), dbSNP rs138943609, ClinGen allele CA6739106.
Genomic context (GRCh38, chr12:100,493,324, plus strand): 5'-TTTCAGGAGTTTTTTTTGAAGACCACCATAAAGAAAGTGCATTTCAATTGAAAAATTTGG[A>G]TGGGATCAAAAATGAATCTCATTGAACATTCCCATTTACCTACCACAGATGAATTTTCTT-3'
Protein context (NP_001193908.1, residues 1-11): [Met1Val]GSKMNLIEHS

ClinVar aggregate classification (germline): Uncertain significance. Review status: criteria provided, multiple submitters, no conflicts (2 of 4 stars). 4 submissions from 4 submitters: Uncertain significance (4). Last evaluated 2025-12-17.

Conditions:
Cholestasis, progressive familial intrahepatic, 5 (PFIC5). Identifiers: Orphanet 480476, MedGen C4310747, MONDO:0014884, OMIM 617049.
NR1H4-related disorder. Also called: NR1H4-related condition.

Allele frequency attached by ClinVar (database versions not stated): TOPMed 0.00018; gnomAD exomes 0.00022; ESP Exome Variant Server 0.00023; gnomAD 0.00024 and 0.00026; ExAC 0.00031.

Submissions (4):

PreventionGenetics, part of Exact Sciences
Classification: Uncertain significance for NR1H4-related condition. Last evaluated: 2025-12-17. Review status: criteria provided, single submitter. Criteria: ACMG Guidelines, 2015. Collection method: clinical testing. Allele origin: germline.
Comment: The NR1H4 c.1A>G variant is predicted to disrupt the translation initiation site (Start Loss). This variant was reported in an individual with intrahepatic cholestasis of pregnancy (Van Mil et al. 2007. PubMed ID: 17681172). In vitro functional studies suggest that an alternate translation start site at p.Met5 appears to be utilized but to a lesser extent resulting in reduced protein expression (Van Mil et al. 2007. PubMed ID: 17681172). This variant is reported in 0.088% of alleles in individuals of European (Finnish) descent in gnomAD. Although we suspect that this variant may be pathogenic, at this time, the clinical significance of this variant is uncertain due to the absence of conclusive functional and genetic evidence.

Blueprint Genetics
Classification: Uncertain significance. Last evaluated: 2024-07-25. Review status: criteria provided, single submitter. Criteria: ACMG Guidelines, 2015. Collection method: clinical testing. Allele origin: germline.

Fulgent Genetics
Classification: Uncertain significance for Cholestasis, progressive familial intrahepatic, 5. Last evaluated: 2022-02-17. Review status: criteria provided, single submitter. Criteria: ACMG Guidelines, 2015. Collection method: clinical testing. Allele origin: unknown.

Eurofins Ntd Llc (ga)
Classification: Uncertain significance. Last evaluated: 2018-08-14. Review status: criteria provided, single submitter. Criteria: EGL ClinVar v180209 classification definitions. Collection method: clinical testing. Allele origin: germline. Observed: 3 variant alleles, 3 heterozygotes.

Literature cited by the submitters: PubMed 24806754 (cited by Eurofins Ntd Llc (ga)); PubMed 17681172 (cited by Eurofins Ntd Llc (ga)).